The following is an entry in ClinVar:

NM_199420.4(POLQ):c.802C>G (p.Leu268Val)

Gene: POLQ (DNA polymerase theta; minus strand). Cytogenetic location: 3q13.33.
Variant type: single nucleotide variant.
Coding change: c.802C>G on transcript NM_199420.4 (MANE Select); coding-DNA position 802, C replaced by G.
Protein change: p.Leu268Val; replaces leucine 268 with valine.
Molecular consequence: missense variant.
Genome position (GRCh38, 1-based): chr3:121,533,148, G>C on the plus strand (C>G on the coding strand, the complement: POLQ is on the minus strand). VCF-style: chr3-121533148-G-C. GRCh37 (hg19) VCF-style: chr3-121251995-G-C.
Other names: short protein forms L268V.
Identifiers: ClinVar variation 2449017 (VCV002449017.2), dbSNP rs2546819735, ClinGen allele CA354126599.

ClinVar aggregate classification (germline): Uncertain significance (1 of 4 stars; one submission).

Submission:

Ambry Genetics
Classification: Uncertain significance. Last evaluated: 2023-02-15. Review status: criteria provided, single submitter. Criteria: Ambry Variant Classification Scheme 2023. Collection method: clinical testing. Allele origin: germline.
Comment: The p.L268V variant (also known as c.802C>G), located in coding exon 6 of the POLQ gene, results from a C to G substitution at nucleotide position 802. The leucine at codon 268 is replaced by valine, an amino acid with highly similar properties. This amino acid position is conserved. In addition, this alteration is predicted to be tolerated by in silico analysis. Since supporting evidence is limited at this time, the clinical significance of this alteration remains unclear.